The following is an entry in ClinVar:

NM_000179.3(MSH6):c.4003_4019dup (p.Ser1340fs)

Gene: MSH6 (mutS homolog 6; plus strand). Cytogenetic location: 2p16.3.
Variant type: Duplication.
Coding change: c.4003_4019dup on transcript NM_000179.3 (MANE Select); coding-DNA positions 4003 to 4019, 17 bases duplicated (GAAGTTTGCCTGGCTAG).
Protein change: p.Ser1340fs; shifts the reading frame from serine 1340.
Molecular consequence: frameshift variant.
Genome position (GRCh38, 1-based): chr2:47,806,780-47,806,796, GAAGTTTGCCTGGCTAG duplicated; duplicating any 17 consecutive bases within chr2:47,806,779-47,806,796 gives the same sequence; the c. name uses the placement nearest the transcript's 3' end. VCF-style (leftmost placement, unchanged base first): chr2-47806778-G-GGGAAGTTTGCCTGGCTA. GRCh37 (hg19) VCF-style: chr2-48033917-G-GGGAAGTTTGCCTGGCTA.
Other names: c.3613_3629dup, p.Ser1210fs (NM_001281492.2); c.3097_3113dup, p.Ser1038fs (NM_001281493.2, NM_001281494.2); short protein forms S1038fs, S1210fs, S1340fs.
Identifiers: ClinVar variation 971326 (VCV000971326.10), dbSNP rs1670207545, ClinGen allele CA1139656992.

ClinVar aggregate classification (germline): Uncertain significance (1 of 4 stars; one submission).

Conditions:
Hereditary nonpolyposis colorectal neoplasms. Identifiers: MedGen C0009405, MeSH D003123.

Submission:

Labcorp Genetics (formerly Invitae), Labcorp
Classification: Uncertain significance for Hereditary nonpolyposis colorectal neoplasms. Last evaluated: 2025-05-05. Review status: criteria provided, single submitter. Criteria: Invitae Variant Classification Sherloc (09022015). Collection method: clinical testing. Allele origin: germline.
Comment: This sequence change creates a premature translational stop signal (p.Ser1340Argfs*12) in the MSH6 gene. While this is not anticipated to result in nonsense mediated decay, it is expected to disrupt the last 21 amino acid(s) of the MSH6 protein. This variant is not present in population databases (gnomAD no frequency). This variant has not been reported in the literature in individuals affected with MSH6-related conditions. ClinVar contains an entry for this variant (Variation ID: 971326). In summary, the available evidence is currently insufficient to determine the role of this variant in disease. Therefore, it has been classified as a Variant of Uncertain Significance.